The following is an entry in ClinVar:

NM_177550.5(SLC13A5):c.1181C>T (p.Pro394Leu)

Gene: SLC13A5 (solute carrier family 13 member 5; minus strand). Cytogenetic location: 17p13.1.
Variant type: single nucleotide variant.
Coding change: c.1181C>T on transcript NM_177550.5 (MANE Select); coding-DNA position 1181, C replaced by T.
Protein change: p.Pro394Leu; replaces proline 394 with leucine.
Molecular consequence: missense variant.
Genome position (GRCh38, 1-based): chr17:6,693,138, G>A on the plus strand (C>T on the coding strand, the complement: SLC13A5 is on the minus strand). VCF-style: chr17-6693138-G-A. GRCh37 (hg19) VCF-style: chr17-6596457-G-A.
Other names: c.1181C>T, p.Pro394Leu (NM_001143838.3); c.1130C>T, p.Pro377Leu (NM_001284509.2); c.1052C>T, p.Pro351Leu (NM_001284510.2); short protein forms P351L, P377L, P394L.
Identifiers: ClinVar variation 2075773 (VCV002075773.4), dbSNP rs752313679, ClinGen allele CA397741590.
Genomic context (GRCh38, chr17:6,693,138, plus strand): 5'-AGTAGCAGCACGATGCCCCAGGGCACTTTCTCCTGGGTTACCTTCCAATCCAGCAGGGGA[G>A]GGGGATAAAATGGAGTTTTCCTTTCTGGGAAGAAAAAGAAACACACACACACACACACAC-3'
Protein context (NP_808218.1, residues 384-404): EEERKTPFYP[Pro394Leu]PLLDWKVTQE

ClinVar aggregate classification (germline): Uncertain significance (1 of 4 stars; one submission).

Conditions:
Developmental and epileptic encephalopathy, 25 (DEE25). Also called: Epileptic encephalopathy, early infantile, 25; Developmental and epileptic encephalopathy 25, with amelogenesis imperfecta; Epileptic encephalopathy, early infantile, 25, with amelogenesis imperfecta. Identifiers: Orphanet 442835, MedGen C4014621, MONDO:0014392, OMIM 615905.

Submission:

Labcorp Genetics (formerly Invitae), Labcorp
Classification: Uncertain significance for Developmental and epileptic encephalopathy, 25. Last evaluated: 2022-01-05. Review status: criteria provided, single submitter. Criteria: Invitae Variant Classification Sherloc (09022015). Collection method: clinical testing. Allele origin: germline.
Comment: This sequence change replaces proline, which is neutral and non-polar, with leucine, which is neutral and non-polar, at codon 394 of the SLC13A5 protein (p.Pro394Leu). This variant is not present in population databases (gnomAD no frequency). This variant has not been reported in the literature in individuals affected with SLC13A5-related conditions. Algorithms developed to predict the effect of missense changes on protein structure and function are either unavailable or do not agree on the potential impact of this missense change (SIFT: "Tolerated"; PolyPhen-2: "Possibly Damaging"; Align-GVGD: "Class C0"). In summary, the available evidence is currently insufficient to determine the role of this variant in disease. Therefore, it has been classified as a Variant of Uncertain Significance.